The following is an entry in ClinVar:

ClinVar aggregate classification (germline): Uncertain significance. Review status: criteria provided, multiple submitters, no conflicts (2 of 4 stars). 2 submissions from 2 submitters: Uncertain significance (2). Last evaluated 2023-10-20.

Conditions:
Hereditary cancer-predisposing syndrome. Also called: Neoplastic Syndromes, Hereditary; Hereditary Cancer Syndrome; Hereditary neoplastic syndrome; Tumor predisposition. Identifiers: Orphanet 140162, MedGen C0027672, MeSH D009386, MONDO:0015356.
Ataxia-telangiectasia syndrome (AT). Also called: ATAXIA-TELANGIECTASIA, COMPLEMENTATION GROUP A; ATAXIA-TELANGIECTASIA, FRESNO VARIANT; Ataxia-telangiectasia, complementation group E; Ataxia telangiectasia (A-T); LOUIS-BAR SYNDROME; Cerebello-oculocutaneous telangiectasia. Identifiers: Orphanet 100, MedGen C0004135, MONDO:0008840, OMIM 208900.

gnomAD v4.1: 3 of 1,612,710 alleles (0.00019%); highest among the groups gnomAD compares: Non-Finnish European, 0.00025%; no homozygotes.

Submissions (2):

Labcorp Genetics (formerly Invitae), Labcorp
Classification: Uncertain significance for Ataxia-telangiectasia syndrome. Last evaluated: 2023-10-20. Review status: criteria provided, single submitter. Criteria: Invitae Variant Classification Sherloc (09022015). Collection method: clinical testing. Allele origin: germline.
Comment: This sequence change replaces arginine, which is basic and polar, with glycine, which is neutral and non-polar, at codon 1262 of the ATM protein (p.Arg1262Gly). This variant is not present in population databases (gnomAD no frequency). This variant has not been reported in the literature in individuals affected with ATM-related conditions. ClinVar contains an entry for this variant (Variation ID: 824203). An algorithm developed to predict the effect of missense changes on protein structure and function (PolyPhen-2) suggests that this variant is likely to be tolerated. In summary, the available evidence is currently insufficient to determine the role of this variant in disease. Therefore, it has been classified as a Variant of Uncertain Significance.

Ambry Genetics
Classification: Uncertain significance for Hereditary cancer-predisposing syndrome. Last evaluated: 2021-11-30. Review status: criteria provided, single submitter. Criteria: Ambry Variant Classification Scheme 2023. Collection method: clinical testing. Allele origin: germline.
Comment: The p.R1262G variant (also known as c.3784A>G), located in coding exon 25 of the ATM gene, results from an A to G substitution at nucleotide position 3784. The arginine at codon 1262 is replaced by glycine, an amino acid with dissimilar properties. This amino acid position is well conserved in available vertebrate species. In addition, the in silico prediction for this alteration is inconclusive. Since supporting evidence is limited at this time, the clinical significance of this alteration remains unclear.

NM_000051.4(ATM):c.3784A>G (p.Arg1262Gly)

Gene: ATM (ATM serine/threonine kinase; plus strand). Cytogenetic location: 11q22.3.
Variant type: single nucleotide variant.
Coding change: c.3784A>G on transcript NM_000051.4 (MANE Select); coding-DNA position 3784, A replaced by G.
Protein change: p.Arg1262Gly; replaces arginine 1262 with glycine.
Molecular consequence: missense variant.
Genome position (GRCh38, 1-based): chr11:108,284,264, A>G. VCF-style: chr11-108284264-A-G. GRCh37 (hg19) VCF-style: chr11-108154991-A-G.
Other names: c.3784A>G, p.Arg1262Gly (NM_001351834.2); short protein forms R1262G.
Identifiers: ClinVar variation 824203 (VCV000824203.14), dbSNP rs1591645509, ClinGen allele CA382524542.